The following is an entry in ClinVar:

NM_004370.6(COL12A1):c.5085A>G (p.Ser1695=)

Gene: COL12A1 (collagen type XII alpha 1 chain; minus strand). Cytogenetic location: 6q13.
Variant type: single nucleotide variant.
Coding change: c.5085A>G on transcript NM_004370.6 (MANE Select); coding-DNA position 5085, A replaced by G.
Protein change: p.Ser1695=; no amino-acid change (serine 1695 retained).
Molecular consequence: synonymous variant.
Genome position (GRCh38, 1-based): chr6:75,138,834, T>C on the plus strand (A>G on the coding strand, the complement: COL12A1 is on the minus strand). VCF-style: chr6-75138834-T-C. GRCh37 (hg19) VCF-style: chr6-75848550-T-C.
Other names: c.1593A>G, p.Ser531= (NM_080645.3).
Identifiers: ClinVar variation 779495 (VCV000779495.15), dbSNP rs190018580, ClinGen allele CA3893270.

ClinVar aggregate classification (germline): Likely benign. Review status: criteria provided, multiple submitters, no conflicts (2 of 4 stars). 4 submissions from 4 submitters: Likely benign (3). 1 of the submissions does not count toward it. Last evaluated 2025-12-28.

Conditions:
COL12A1-related disorder. Also called: COL12A1-related condition.
Ullrich congenital muscular dystrophy 2 (UCMD2). Identifiers: Orphanet 75840, MedGen C4225314, MONDO:0014654, OMIM 616470.
Bethlem myopathy 2 (BTHLM2). Identifiers: Orphanet 536516, Orphanet 610, MedGen C4225313, MONDO:0034022, OMIM 616471.

Allele frequency attached by ClinVar (database versions not stated): gnomAD exomes 0.00003 and 0.00012; ExAC 0.00012; gnomAD 0.00036 and 0.00039; TOPMed 0.00043; 1000 Genomes Project 30x 0.00047; ESP Exome Variant Server 0.00050; 1000 Genomes Project 0.00060.
gnomAD v4.1: 97 of 1,614,114 alleles (0.006%); highest among the groups gnomAD compares: African/African-American, 0.11%; no homozygotes.

Submissions (4):

Labcorp Genetics (formerly Invitae), Labcorp
Classification: Likely benign for Bethlem myopathy 2; Ullrich congenital muscular dystrophy 2. Last evaluated: 2025-12-28. Review status: criteria provided, single submitter. Criteria: Invitae Variant Classification Sherloc (09022015). Collection method: clinical testing. Allele origin: germline.

Blueprint Genetics
Classification: Likely benign. Last evaluated: 2022-11-14. Review status: criteria provided, single submitter. Criteria: ACMG Guidelines, 2015. Collection method: clinical testing. Allele origin: germline.

GeneDx
Classification: Likely benign. Last evaluated: 2019-07-11. Review status: criteria provided, single submitter. Criteria: GeneDx Variant Classification Process June 2021. Collection method: clinical testing. Allele origin: germline. Affected: yes.

PreventionGenetics, part of Exact Sciences
Classification: Likely benign for COL12A1-related condition. Last evaluated: 2023-06-22. Review status: no assertion criteria provided. Collection method: clinical testing. Allele origin: germline. Not counted in ClinVar's aggregate classification.
Comment: This variant is classified as likely benign based on ACMG/AMP sequence variant interpretation guidelines (Richards et al. 2015 PMID: 25741868, with internal and published modifications).